The following is an entry in ClinVar:

NM_001005498.4(RHBDF2):c.1802G>A (p.Cys601Tyr)

Gene: RHBDF2 (rhomboid 5 homolog 2; minus strand). Cytogenetic location: 17q25.1.
Variant type: single nucleotide variant.
Coding change: c.1802G>A on transcript NM_001005498.4 (MANE Select); coding-DNA position 1802, G replaced by A.
Protein change: p.Cys601Tyr; replaces cysteine 601 with tyrosine.
Molecular consequence: missense variant. On other transcripts: non-coding transcript variant (3).
Genome position (GRCh38, 1-based): chr17:76,473,259, C>T on the plus strand (G>A on the coding strand, the complement: RHBDF2 is on the minus strand). VCF-style: chr17-76473259-C-T. GRCh37 (hg19) VCF-style: chr17-74469341-C-T.
Other names: c.1802G>A, p.Cys601Tyr (NM_001376228.1, NM_001376229.1, NM_001376230.1); c.1889G>A, p.Cys630Tyr (NM_024599.5); short protein forms C601Y, C630Y.
Identifiers: ClinVar variation 4883390 (VCV004883390.2).

ClinVar aggregate classification (germline): Uncertain significance (1 of 4 stars; one submission).

Conditions:
Palmoplantar keratoderma-esophageal carcinoma syndrome (TOC). Also called: KERATOSIS PALMARIS ET PLANTARIS WITH ESOPHAGEAL CANCER; PALMOPLANTAR KERATODERMA WITH ESOPHAGEAL CANCER; Tylosis with Esophageal Cancer. Identifiers: Orphanet 2198, MedGen C1835664, MONDO:0007856, OMIM 148500.

Submission:

Dasa
Classification: Uncertain significance for Palmoplantar keratoderma-esophageal carcinoma syndrome. Last evaluated: 2026-02-16. Review status: criteria provided, single submitter. Criteria: DASA Assertion Criteria. Collection method: clinical testing. Allele origin: germline.
Comment: NM_001005498.4(RHBDF2):c.1802G>A (p.Cys601Tyr) is a missense variant that results in the substitution of cysteine with tyrosine. This variant is absent from population databases. Computational prediction algorithms are consistent with a deleterious effect. The currently available literature and clinical evidence are not sufficient to establish a definitive association between this variant and the reported condition. Therefore, this variant is classified as a variant of uncertain significance.